The following is an entry in ClinVar:

ClinVar aggregate classification (germline): Uncertain significance. Review status: criteria provided, multiple submitters, no conflicts (2 of 4 stars). 3 submissions from 3 submitters: Uncertain significance (3). Last evaluated 2025-09-27.

Conditions:
Cardiomyopathy (CMYO). Also called: Cardiomyopathies. Identifiers: Orphanet 167848, MedGen C0878544, MONDO:0004994, HP:0001638. Inheritance: Various modes of inheritance.
Arrhythmogenic right ventricular dysplasia 10. Also called: Arrhythmogenic Right Ventricular Dysplasia/Cardiomyopathy10; ARRHYTHMOGENIC RIGHT VENTRICULAR DYSPLASIA, FAMILIAL, 10; Arrhythmogenic right ventricular dysplasia/cardiomyopathy, type 10. Identifiers: MedGen C1857777, MONDO:0012434, OMIM 610193.

gnomAD v4.1: 1 of 1,614,064 alleles (0.000062%); highest among the groups gnomAD compares: Non-Finnish European, 0.000085%; no homozygotes.

Submissions (3):

Labcorp Genetics (formerly Invitae), Labcorp
Classification: Uncertain significance for Arrhythmogenic right ventricular dysplasia 10. Last evaluated: 2025-09-27. Review status: criteria provided, single submitter. Criteria: Invitae Variant Classification Sherloc (09022015). Collection method: clinical testing. Allele origin: germline.
Comment: This sequence change falls in intron 8 of the DSG2 gene. It does not directly change the encoded amino acid sequence of the DSG2 protein. It affects a nucleotide within the consensus splice site. This variant is not present in population databases (gnomAD no frequency). This variant has not been reported in the literature in individuals affected with DSG2-related conditions. ClinVar contains an entry for this variant (Variation ID: 3393767). Variants that disrupt the consensus splice site are a relatively common cause of aberrant splicing (PMID: 17576681, 9536098). Algorithms developed to predict the effect of sequence changes on RNA splicing suggest that this variant is not likely to affect RNA splicing. In summary, the available evidence is currently insufficient to determine the role of this variant in disease. Therefore, it has been classified as a Variant of Uncertain Significance.

Color Diagnostics, LLC DBA Color Health
Classification: Uncertain significance for Cardiomyopathy. Last evaluated: 2025-08-30. Review status: criteria provided, single submitter. Criteria: ACMG Guidelines, 2015. Collection method: clinical testing. Allele origin: germline.
Comment: This variant causes a G to T nucleotide substitution at the +5 position of intron 8 of the DSG2 gene. To our knowledge, functional studies have not been reported for this variant. This variant has not been reported in individuals affected with DSG2-related disorders in the literature. This variant has not been identified in the general population by the Genome Aggregation Database (gnomAD). The available evidence is insufficient to determine the role of this variant in disease conclusively. Therefore, this variant is classified as a Variant of Uncertain Significance.

GeneDx
Classification: Uncertain significance. Last evaluated: 2024-07-03. Review status: criteria provided, single submitter. Criteria: GeneDx Variant Classification Process June 2021. Collection method: clinical testing. Allele origin: germline. Affected: yes.
Comment: Not observed at significant frequency in large population cohorts (gnomAD); In silico analysis indicates that this variant does not alter splicing; Has not been previously published as pathogenic or benign to our knowledge

Literature cited by the submitters: PubMed 17576681 (cited by Labcorp Genetics (formerly Invitae), Labcorp); PubMed 9536098 (cited by Labcorp Genetics (formerly Invitae), Labcorp).

NM_001943.5(DSG2):c.1014+5G>T

Gene: DSG2 (desmoglein 2; plus strand). Cytogenetic location: 18q12.1.
Variant type: single nucleotide variant.
Coding change: c.1014+5G>T on transcript NM_001943.5 (MANE Select); 5 bases into the intron after coding-DNA position 1014, G replaced by T.
Molecular consequence: intron variant.
Genome position (GRCh38, 1-based): chr18:31,524,893, G>T. VCF-style: chr18-31524893-G-T. GRCh37 (hg19) VCF-style: chr18-29104856-G-T.
Identifiers: ClinVar variation 3393767 (VCV003393767.3).
Genomic context (GRCh38, chr18:31,524,893, plus strand): 5'-ATTTCCACATAGAAACAGATGCTCAAACTAACGAAGGAATTGTGACCCTTATTAAGGTAA[G>T]TACTAAGTATTCAAAACTGGCGTGGGCCAAGTTGGTGCTGGAAAGGAATCTAATATATTT-3'